The following is an entry in ClinVar:

ClinVar aggregate classification (germline): Uncertain significance (1 of 4 stars; one submission).

Conditions:
Charcot-Marie-Tooth disease type 2. Also called: Charcot-Marie-Tooth type 2. Identifiers: Orphanet 64746, MedGen C0270914, MONDO:0018993.

Submission:

Labcorp Genetics (formerly Invitae), Labcorp
Classification: Uncertain significance for Charcot-Marie-Tooth disease type 2. Last evaluated: 2022-12-02. Review status: criteria provided, single submitter. Criteria: Invitae Variant Classification Sherloc (09022015). Collection method: clinical testing. Allele origin: germline.
Comment: This variant has not been reported in the literature in individuals affected with MFN2-related conditions. This variant is not present in population databases (gnomAD no frequency). This sequence change replaces methionine, which is neutral and non-polar, with valine, which is neutral and non-polar, at codon 603 of the MFN2 protein (p.Met603Val). In summary, the available evidence is currently insufficient to determine the role of this variant in disease. Therefore, it has been classified as a Variant of Uncertain Significance. Advanced modeling of protein sequence and biophysical properties (such as structural, functional, and spatial information, amino acid conservation, physicochemical variation, residue mobility, and thermodynamic stability) has been performed at Invitae for this missense variant, however the output from this modeling did not meet the statistical confidence thresholds required to predict the impact of this variant on MFN2 protein function.

NM_014874.4(MFN2):c.1807A>G (p.Met603Val)

Gene: MFN2 (mitofusin 2; plus strand). Cytogenetic location: 1p36.22.
Variant type: single nucleotide variant.
Coding change: c.1807A>G on transcript NM_014874.4 (MANE Select); coding-DNA position 1807, A replaced by G.
Protein change: p.Met603Val; replaces methionine 603 with valine.
Molecular consequence: missense variant.
Genome position (GRCh38, 1-based): chr1:12,006,628, A>G. VCF-style: chr1-12006628-A-G. GRCh37 (hg19) VCF-style: chr1-12066685-A-G.
Other names: c.1807A>G, p.Met603Val (NM_001127660.2); short protein forms M603V.
Identifiers: ClinVar variation 3004793 (VCV003004793.3), dbSNP rs2523095004, ClinGen allele CA338448917.
Genomic context (GRCh38, chr1:12,006,628, plus strand): 5'-AACCCCAGCATGCCCCCACTGCCACAGGGCTCGCTCACCCAGGAGGAGTTCATGGTTTCC[A>G]TGGTTACCGGCCTGGCCTCCTTGACATCCAGGACCTCCATGGGCATTCTTGTTGTTGGAG-3'
Protein context (NP_055689.1, residues 593-613): SLTQEEFMVS[Met603Val]VTGLASLTSR